The following is an entry in ClinVar:

ClinVar aggregate classification (germline): Likely benign (0 of 4 stars; one submission).

Conditions:
KDM3B-related disorder. Also called: KDM3B-related condition.

Allele frequency attached by ClinVar (database versions not stated): gnomAD exomes 0.00004; ExAC 0.00007; gnomAD 0.00015; TOPMed 0.00020; 1000 Genomes Project 0.00040; 1000 Genomes Project 30x 0.00047.
gnomAD v4.1: 84 of 1,614,182 alleles (0.0052%); highest among the groups gnomAD compares: Admixed American, 0.11%; no homozygotes.

Submission:

PreventionGenetics, part of Exact Sciences
Classification: Likely benign for KDM3B-related condition. Last evaluated: 2021-08-24. Review status: no assertion criteria provided. Collection method: clinical testing. Allele origin: germline.
Comment: This variant is classified as likely benign based on ACMG/AMP sequence variant interpretation guidelines (Richards et al. 2015 PMID: 25741868, with internal and published modifications).

NM_016604.4(KDM3B):c.1536A>G (p.Ala512=)

Gene: KDM3B (lysine demethylase 3B; plus strand). Cytogenetic location: 5q31.2.
Variant type: single nucleotide variant.
Coding change: c.1536A>G on transcript NM_016604.4 (MANE Select); coding-DNA position 1536, A replaced by G.
Protein change: p.Ala512=; no amino-acid change (alanine 512 retained).
Molecular consequence: synonymous variant.
Genome position (GRCh38, 1-based): chr5:138,391,168, A>G. VCF-style: chr5-138391168-A-G. GRCh37 (hg19) VCF-style: chr5-137726857-A-G.
Identifiers: ClinVar variation 3049377 (VCV003049377.2), dbSNP rs181005843, ClinGen allele CA3428930.